The following is an entry in ClinVar:

ClinVar aggregate classification (germline): Likely benign (0 of 4 stars; one submission).

Conditions:
SEMA3G-related disorder. Also called: SEMA3G-related condition.

Submission:

PreventionGenetics, part of Exact Sciences
Classification: Likely benign for SEMA3G-related condition. Last evaluated: 2022-04-14. Review status: no assertion criteria provided. Collection method: clinical testing. Allele origin: germline.
Comment: This variant is classified as likely benign based on ACMG/AMP sequence variant interpretation guidelines (Richards et al. 2015 PMID: 25741868, with internal and published modifications).

NM_020163.3(SEMA3G):c.2286G>A (p.Lys762=)

Gene: SEMA3G (semaphorin 3G; minus strand). Cytogenetic location: 3p21.1.
Variant type: single nucleotide variant.
Coding change: c.2286G>A on transcript NM_020163.3 (MANE Select); coding-DNA position 2286, G replaced by A.
Protein change: p.Lys762=; no amino-acid change (lysine 762 retained).
Molecular consequence: synonymous variant.
Genome position (GRCh38, 1-based): chr3:52,435,666, C>T on the plus strand (G>A on the coding strand, the complement: SEMA3G is on the minus strand). VCF-style: chr3-52435666-C-T. GRCh37 (hg19) VCF-style: chr3-52469682-C-T.
Identifiers: ClinVar variation 3354384 (VCV003354384.1).
Genomic context (GRCh38, chr3:52,435,666, plus strand): 5'-CGTGGCCTCCACCTCCCGGGGCGTCCGATTGTGCTCGGCATGCACCCGGCTCTTCATCTT[C>T]TTGCCTAGCTCCAGCCCTGCCCAGCTCTTGCCCCTGGCCTGCTTGCCCCGGCTCCGGCTC-3'
Protein context (NP_064548.1, residues 752-772): GKSWAGLELG[Lys762=]KMKSRVHAEH